The following is an entry in ClinVar:

ClinVar aggregate classification (germline): Uncertain significance (1 of 4 stars; one submission).

Allele frequency attached by ClinVar (database versions not stated): gnomAD exomes below 0.00001; TOPMed below 0.00001; gnomAD 0.00001.
gnomAD v4.1: 4 of 1,593,714 alleles (0.00025%); highest among the groups gnomAD compares: Non-Finnish European, 0.00034%; no homozygotes.

Submission:

GeneDx
Classification: Uncertain significance. Last evaluated: 2023-03-25. Review status: criteria provided, single submitter. Criteria: GeneDx Variant Classification Process June 2021. Collection method: clinical testing. Allele origin: germline. Affected: yes.
Comment: Not observed at a significant frequency in large population cohorts (gnomAD); In silico analysis supports that this missense variant does not alter protein structure/function; Has not been previously published as pathogenic or benign to our knowledge

NM_020774.4(MIB1):c.434A>G (p.Lys145Arg)

Gene: MIB1 (MIB E3 ubiquitin protein ligase 1; plus strand). Cytogenetic location: 18q11.2.
Variant type: single nucleotide variant.
Coding change: c.434A>G on transcript NM_020774.4 (MANE Select); coding-DNA position 434, A replaced by G.
Protein change: p.Lys145Arg; replaces lysine 145 with arginine.
Molecular consequence: missense variant.
Genome position (GRCh38, 1-based): chr18:21,768,655, A>G. VCF-style: chr18-21768655-A-G. GRCh37 (hg19) VCF-style: chr18-19348616-A-G.
Other names: short protein forms K145R.
Identifiers: ClinVar variation 1313972 (VCV001313972.3), dbSNP rs1243877213, ClinGen allele CA401761519.